The following is an entry in ClinVar:

ClinVar aggregate classification (germline): Uncertain significance (1 of 4 stars; one submission).

Submission:

Labcorp Genetics (formerly Invitae), Labcorp
Classification: Uncertain significance. Last evaluated: 2022-04-11. Review status: criteria provided, single submitter. Criteria: Invitae Variant Classification Sherloc (09022015). Collection method: clinical testing. Allele origin: germline.
Comment: In summary, the available evidence is currently insufficient to determine the role of this variant in disease. Therefore, it has been classified as a Variant of Uncertain Significance. Algorithms developed to predict the effect of missense changes on protein structure and function are either unavailable or do not agree on the potential impact of this missense change (SIFT: "Tolerated"; PolyPhen-2: "Not Available"; Align-GVGD: "Class C0"). This variant has not been reported in the literature in individuals affected with PCLO-related conditions. This variant is not present in population databases (gnomAD no frequency). This sequence change replaces phenylalanine, which is neutral and non-polar, with cysteine, which is neutral and slightly polar, at codon 2098 of the PCLO protein (p.Phe2098Cys).

NM_033026.6(PCLO):c.6293T>G (p.Phe2098Cys)

Gene: PCLO (piccolo presynaptic cytomatrix protein; minus strand). Cytogenetic location: 7q21.11.
Variant type: single nucleotide variant.
Coding change: c.6293T>G on transcript NM_033026.6 (MANE Select); coding-DNA position 6293, T replaced by G.
Protein change: p.Phe2098Cys; replaces phenylalanine 2098 with cysteine.
Molecular consequence: missense variant.
Genome position (GRCh38, 1-based): chr7:82,954,660, A>C on the plus strand (T>G on the coding strand, the complement: PCLO is on the minus strand). VCF-style: chr7-82954660-A-C. GRCh37 (hg19) VCF-style: chr7-82583976-A-C.
Other names: c.6293T>G, p.Phe2098Cys (NM_014510.3); short protein forms F2098C.
Identifiers: ClinVar variation 2124786 (VCV002124786.4), dbSNP rs2535703109, ClinGen allele CA367919957.